The following is an entry in ClinVar:

NM_002437.5(MPV17):c.121C>T (p.Arg41Trp)

Gene: MPV17 (mitochondrial inner membrane protein MPV17; minus strand). Cytogenetic location: 2p23.3.
Variant type: single nucleotide variant.
Coding change: c.121C>T on transcript NM_002437.5 (MANE Select); coding-DNA position 121, C replaced by T.
Protein change: p.Arg41Trp; replaces arginine 41 with tryptophan.
Molecular consequence: missense variant.
Genome position (GRCh38, 1-based): chr2:27,313,059, G>A on the plus strand (C>T on the coding strand, the complement: MPV17 is on the minus strand). VCF-style: chr2-27313059-G-A. GRCh37 (hg19) VCF-style: chr2-27535926-G-A.
Other names: p.R41W:CGG>TGG; short protein forms R41W.
Identifiers: ClinVar variation 214660 (VCV000214660.20), dbSNP rs863224072, ClinGen allele CA323686.

ClinVar aggregate classification (germline): Conflicting classifications of pathogenicity. Review status: criteria provided, conflicting classifications (1 of 4 stars). 8 submissions from 8 submitters: Pathogenic (1); Likely pathogenic (6); Uncertain significance (1). Last evaluated 2026-09-04.

Conditions:
MPV17-related disorder. Also called: MPV17-related condition; MPV17-related disorders. Identifiers: MedGen CN239328.
Mitochondrial DNA depletion syndrome, hepatocerebral form. Identifiers: Orphanet 254871, MedGen C3711385, MONDO:0100512.
Charcot-Marie-Tooth disease, axonal, type 2EE. Also called: CHARCOT-MARIE-TOOTH NEUROPATHY, TYPE 2EE. Identifiers: MedGen C5193076, MONDO:0032728, OMIM 618400.
Mitochondrial DNA depletion syndrome 6 (hepatocerebral type). Also called: Mitochondrial DNA depletion syndrome type 6; NAVAJO NEUROPATHY; Navajo neurohepatopathy. Identifiers: Orphanet 255229, MedGen C1850406, MONDO:0009747, OMIM 256810.

Allele frequency attached by ClinVar (database versions not stated): gnomAD exomes below 0.00001; TOPMed 0.00001; gnomAD 0.00003.

Submissions (8):

PreventionGenetics, part of Exact Sciences
Classification: Likely pathogenic for MPV17-related condition. Last evaluated: 2026-09-04. Review status: criteria provided, single submitter. Criteria: ACMG Guidelines, 2015. Collection method: clinical testing. Allele origin: germline.
Comment: The MPV17 c.121C>T variant is predicted to result in the amino acid substitution p.Arg41Trp. This variant has been reported in the homozygous or compound heterozygous state in individuals with mitochondrial DNA depletion syndrome; affected individuals have been reported to present with a wide phenotypic variability (Uusimaa et al. 2014. PubMed ID: 23714749; Pyal et al. 2017. PubMed ID: 28673863; Isik et al. 2019. PubMed ID: 31319225). In functional studies, the p.Arg41Trp substitution was reported to lead to mitochondrial DNA depletion, and overexpression of the mutant protein reduced cell proliferation (Choi et al. 2015. PubMed ID: 26437932, Figure S1). A different substitution of the same amino acid (p.Arg41Gln) has been reported in a family with axonal sensorimotor polyneuropathy (Choi et al. 2015. PubMed ID: 26437932). This variant is reported in 0.013% of alleles in individuals of European (Non-Finnish) descent in gnomAD. This variant is interpreted as likely pathogenic.

Natera, Inc.
Classification: Likely pathogenic for Mitochondrial DNA depletion syndrome, hepatocerebral form. Last evaluated: 2025-11-26. Review status: criteria provided, single submitter. Criteria: Natera Variant Classification Schema (03/2026). Collection method: clinical testing. Allele origin: germline.
Comment: The c.121C>T variant in MPV17 is a missense variant predicted to cause substitution of arginine to tryptophan at amino acid 41. This variant is rare in the general population with a frequency below the threshold expected for the associated phenotype(s). This variant has been observed in one or more individuals affected with the associated recessive disease, as either homozygous or compound heterozygous with a second variant (PMID: 28673863, 36753038, 31319225, 33486010). Additionally, this variant has been observed to segregate in affected family members (PMID: 23714749). Computational prediction algorithms indicate this variant is likely to affect gene or protein function. Given the available evidence, this variant is classified as Likely Pathogenic.

GeneDx
Classification: Likely pathogenic. Last evaluated: 2024-11-01. Review status: criteria provided, single submitter. Criteria: GeneDx Variant Classification Process June 2021. Collection method: clinical testing. Allele origin: germline. Affected: yes.
Comment: p.Arg41Trp (CGG>TGG): c.121 C>T in exon 3 of the MPV17 gene (NM_002437.4). The R41W variant has not been reported as a benign polymorphism to our knowledge. R41W has been reported in association with mitochondrial DNA depletion syndrome in two affected siblings who were each homozygous for R41W (Uusimaa et al., 2014). The R41W variant is a non-conservative amino acid substitution, which is likely to impact secondary protein structure as these residues differ in polarity, charge, size and/or other properties. This substitution occurs at a position where amino acids with similar properties as Arginine are conserved across species. Missense mutations in nearby residues (Q36P, R50W, R50Q) have been reported in association with mitochondrial DNA depletion syndrome, supporting the functional importance of this region of the protein. However, in silico analysis is inconsistent in its predictions as to whether or not the variant is damaging to the protein structure/function. Therefore, based on the currently available information, it is unclear whether this variant is a pathogenic mutation or a rare benign variant. The variant is found in MITONUC-MITOP panel(s).

Labcorp Genetics (formerly Invitae), Labcorp
Classification: Pathogenic. Last evaluated: 2024-10-23. Review status: criteria provided, single submitter. Criteria: Invitae Variant Classification Sherloc (09022015). Collection method: clinical testing. Allele origin: germline.
Comment: This sequence change replaces arginine, which is basic and polar, with tryptophan, which is neutral and slightly polar, at codon 41 of the MPV17 protein (p.Arg41Trp). This variant is present in population databases (no rsID available, gnomAD 0.01%). This missense change has been observed in individuals with mitochondrial DNA depletion syndrome (PMID: 23714749, 28673863, 31319225, 33486010). It has also been observed to segregate with disease in related individuals. ClinVar contains an entry for this variant (Variation ID: 214660). An algorithm developed to predict the effect of missense changes on protein structure and function (PolyPhen-2) suggests that this variant is likely to be disruptive. This variant disrupts the p.Arg41 amino acid residue in MPV17. Other variant(s) that disrupt this residue have been determined to be pathogenic (PMID: 26437932, 30298599). This suggests that this residue is clinically significant, and that variants that disrupt this residue are likely to be disease-causing. For these reasons, this variant has been classified as Pathogenic.

Baylor Genetics
Classification: Likely pathogenic for Charcot-Marie-Tooth disease, axonal, type 2EE. Last evaluated: 2024-03-02. Review status: criteria provided, single submitter. Criteria: ACMG Guidelines, 2015. Collection method: clinical testing. Allele origin: unknown.

Revvity Omics, Revvity
Classification: Likely pathogenic. Last evaluated: 2022-09-28. Review status: criteria provided, single submitter. Criteria: ACMG Guidelines, 2015. Collection method: clinical testing. Allele origin: germline.

SIB Swiss Institute of Bioinformatics
Classification: Likely pathogenic for Mitochondrial DNA depletion syndrome 6 (hepatocerebral type). Last evaluated: 2019-08-13. Review status: criteria provided, single submitter. Criteria: ACMG Guidelines, 2015. Collection method: curation. Allele origin: unknown.
Comment: This variant is interpreted as a Likely pathogenic for Mitochondrial DNA depletion syndrome 6, autosomal recessive. The following ACMG Tag(s) were applied: PM2, PP1, PM5, PM3-supporting.

Eurofins Ntd Llc (ga)
Classification: Uncertain significance. Last evaluated: 2018-08-22. Review status: criteria provided, single submitter. Criteria: EGL ClinVar v180209 classification definitions. Collection method: clinical testing. Allele origin: germline. Observed: 1 variant allele, 1 homozygote.

Literature cited by the submitters: PubMed 28673863 (cited by Natera, Inc. and Labcorp Genetics (formerly Invitae), Labcorp); PubMed 36753038 (cited by Natera, Inc.); PubMed 31319225 (cited by Natera, Inc. and Labcorp Genetics (formerly Invitae), Labcorp); PubMed 33486010 (cited by Natera, Inc. and Labcorp Genetics (formerly Invitae), Labcorp); PubMed 23714749 (cited by 3 submitters); PubMed 26437932 (cited by Labcorp Genetics (formerly Invitae), Labcorp); PubMed 30298599 (cited by Labcorp Genetics (formerly Invitae), Labcorp).